The following is an entry in ClinVar:

ClinVar aggregate classification (germline): Uncertain significance. Review status: criteria provided, single submitter (1 of 4 stars). 2 submissions from 2 submitters: Uncertain significance (1). 1 of the submissions does not count toward it. Last evaluated 2025-10-28.

Conditions:
JAG1-related disorder. Also called: JAG1-related condition; JAG1-related disorders.
Alagille syndrome due to a JAG1 point mutation. Also called: Alagille Syndrome 1; HEPATIC DUCTULAR HYPOPLASIA, SYNDROMATIC; JAG1-Related Alagille Syndrome. Identifiers: Orphanet 261619, Orphanet 52, MedGen C1956125, MONDO:0016862, OMIM 118450.

Allele frequency attached by ClinVar (database versions not stated): TOPMed 0.00001.

Submissions (2):

Labcorp Genetics (formerly Invitae), Labcorp
Classification: Uncertain significance for Alagille syndrome due to a JAG1 point mutation. Last evaluated: 2025-10-28. Review status: criteria provided, single submitter. Criteria: Invitae Variant Classification Sherloc (09022015). Collection method: clinical testing. Allele origin: germline.
Comment: This sequence change replaces isoleucine, which is neutral and non-polar, with threonine, which is neutral and polar, at codon 1021 of the JAG1 protein (p.Ile1021Thr). This variant is not present in population databases (gnomAD no frequency). This variant has not been reported in the literature in individuals affected with JAG1-related conditions. ClinVar contains an entry for this variant (Variation ID: 1058302). Invitae Evidence Modeling of protein sequence and biophysical properties (such as structural, functional, and spatial information, amino acid conservation, physicochemical variation, residue mobility, and thermodynamic stability) indicates that this missense variant is not expected to disrupt JAG1 protein function with a negative predictive value of 95%. In summary, the available evidence is currently insufficient to determine the role of this variant in disease. Therefore, it has been classified as a Variant of Uncertain Significance.

PreventionGenetics, part of Exact Sciences
Classification: Uncertain significance for JAG1-related condition. Last evaluated: 2024-07-16. Review status: no assertion criteria provided. Collection method: clinical testing. Allele origin: germline. Not counted in ClinVar's aggregate classification.
Comment: The JAG1 c.3062T>C variant is predicted to result in the amino acid substitution p.Ile1021Thr. This variant has been reported in an individual with thyroid dysgenesis, who also carried variants in NKX2-1 and GLIS3 (Table S3, de Filippis et al 2017. PubMed ID: 28444304). This variant has not been reported in a large population database, indicating this variant is rare. At this time, the clinical significance of this variant is uncertain due to the absence of conclusive functional and genetic evidence.

NM_000214.3(JAG1):c.3062T>C (p.Ile1021Thr)

Gene: JAG1 (jagged canonical Notch ligand 1; minus strand). Cytogenetic location: 20p12.2.
Variant type: single nucleotide variant.
Coding change: c.3062T>C on transcript NM_000214.3 (MANE Select); coding-DNA position 3062, T replaced by C.
Protein change: p.Ile1021Thr; replaces isoleucine 1021 with threonine.
Molecular consequence: missense variant.
Genome position (GRCh38, 1-based): chr20:10,640,920, A>G on the plus strand (T>C on the coding strand, the complement: JAG1 is on the minus strand). VCF-style: chr20-10640920-A-G. GRCh37 (hg19) VCF-style: chr20-10621568-A-G.
Other names: c.3062T>C (NM_000214.2); short protein forms I1021T.
Identifiers: ClinVar variation 1058302 (VCV001058302.8), dbSNP rs1736644803, ClinGen allele CA408244315.
Genomic context (GRCh38, chr20:10,640,920, plus strand): 5'-TTACTAACAAGATCGATTATTTTGTCAGTGATTTCCTTGATCGGGTTCCCATCATCCCGT[A>G]TATCTTCAGCAGACTGGAAAAACAATTGTCAGACTTGAGAGTCAGAGGAATACTCAAAGC-3'
Protein context (NP_000205.1, residues 1011-1031): EIHVAISAED[Ile1021Thr]RDDGNPIKEI